The following is an entry in ClinVar:

NM_006431.3(CCT2):c.10C>T (p.Leu4Phe)

Gene: CCT2 (chaperonin containing TCP1 subunit 2; plus strand). Cytogenetic location: 12q15.
Variant type: single nucleotide variant.
Coding change: c.10C>T on transcript NM_006431.3 (MANE Select); coding-DNA position 10, C replaced by T.
Protein change: p.Leu4Phe; replaces leucine 4 with phenylalanine.
Molecular consequence: missense variant. On other transcripts: 5 prime UTR variant (1).
Genome position (GRCh38, 1-based): chr12:69,586,276, C>T. VCF-style: chr12-69586276-C-T. GRCh37 (hg19) VCF-style: chr12-69980056-C-T.
Other names: c.-132C>T (NM_001198842.2); short protein forms L4F.
Identifiers: ClinVar variation 1357162 (VCV001357162.8), dbSNP rs1234390196, ClinGen allele CA385722485.

ClinVar aggregate classification (germline): Uncertain significance (1 of 4 stars; one submission).

Allele frequency attached by ClinVar (database versions not stated): gnomAD 0.00001; TOPMed 0.00001; gnomAD exomes 0.00002 and 0.00001.
gnomAD v4.1: 28 of 1,612,830 alleles (0.0017%); highest among the groups gnomAD compares: Non-Finnish European, 0.0024%; no homozygotes.

Submission:

Labcorp Genetics (formerly Invitae), Labcorp
Classification: Uncertain significance. Last evaluated: 2025-03-17. Review status: criteria provided, single submitter. Criteria: Invitae Variant Classification Sherloc (09022015). Collection method: clinical testing. Allele origin: germline.
Comment: This sequence change replaces leucine, which is neutral and non-polar, with phenylalanine, which is neutral and non-polar, at codon 4 of the CCT2 protein (p.Leu4Phe). This variant is present in population databases (no rsID available, gnomAD 0.003%). This variant has not been reported in the literature in individuals affected with CCT2-related conditions. ClinVar contains an entry for this variant (Variation ID: 1357162). An algorithm developed to predict the effect of missense changes on protein structure and function (PolyPhen-2) suggests that this variant is likely to be tolerated. In summary, the available evidence is currently insufficient to determine the role of this variant in disease. Therefore, it has been classified as a Variant of Uncertain Significance.